The following is an entry in ClinVar:

ClinVar aggregate classification (germline): Pathogenic. Review status: reviewed by expert panel (3 of 4 stars). 6 submissions from 6 submitters: Pathogenic (1). 5 of the submissions do not count toward it. Last evaluated 2016-09-08.

Conditions:
Hereditary breast ovarian cancer syndrome. Also called: Hereditary breast and ovarian cancer syndrome; Hereditary breast and ovarian cancer; Hereditary breast and ovarian cancer syndrome (HBOC); Breast and ovarian cancer; Hereditary breast and/or ovarian cancer syndrome; BRCA1- and BRCA2-Associated Hereditary Breast and Ovarian Cancer. Identifiers: Orphanet 145, MedGen C0677776, MeSH D061325, MONDO:0003582. Disease mechanism: loss of function.
Hereditary cancer-predisposing syndrome. Also called: Neoplastic Syndromes, Hereditary; Tumor predisposition; Hereditary neoplastic syndrome; Hereditary Cancer Syndrome. Identifiers: Orphanet 140162, MedGen C0027672, MeSH D009386, MONDO:0015356.
Breast-ovarian cancer, familial, susceptibility to, 2 (BROVCA2). Also called: BRCA2 Hereditary Breast and Ovarian Cancer. Identifiers: Orphanet 145, MedGen C2675520, MONDO:0012933, OMIM 612555. Disease mechanism: loss of function.
Familial cancer of breast. Also called: BREAST CANCER, FAMILIAL; Hereditary breast cancer; hereditary breast carcinoma. Identifiers: Orphanet 227535, MedGen C0346153, MONDO:0016419, OMIM 114480. Disease mechanism: loss of function.

Submissions (6):

Evidence-based Network for the Interpretation of Germline Mutant Alleles (ENIGMA)
Classification: Pathogenic for Breast-ovarian cancer, familial, susceptibility to, 2. Last evaluated: 2016-09-08. Review status: reviewed by expert panel. Criteria: ENIGMA BRCA1/2 Classification Criteria (2015). Collection method: curation. Allele origin: germline.
Comment: Variant allele predicted to encode a truncated non-functional protein.

Ambry Genetics
Classification: Pathogenic for Hereditary cancer-predisposing syndrome. Last evaluated: 2025-04-02. Review status: criteria provided, single submitter. Criteria: Ambry Variant Classification Scheme 2023. Collection method: clinical testing. Allele origin: germline. Not counted in ClinVar's aggregate classification.
Comment: The c.7151_7152delAA pathogenic mutation, located in coding exon 13 of the BRCA2 gene, results from a deletion of two nucleotides at nucleotide positions 7151 to 7152, causing a translational frameshift with a predicted alternate stop codon (p.Q2384Rfs*7). This variant is considered to be rare based on population cohorts in the Genome Aggregation Database (gnomAD). In addition to the clinical data presented in the literature, this alteration is expected to result in loss of function by premature protein truncation or nonsense-mediated mRNA decay. As such, this alteration is interpreted as a disease-causing mutation.

Labcorp Genetics (formerly Invitae), Labcorp
Classification: Pathogenic for Hereditary breast ovarian cancer syndrome. Last evaluated: 2023-08-14. Review status: criteria provided, single submitter. Criteria: Invitae Variant Classification Sherloc (09022015). Collection method: clinical testing. Allele origin: germline. Not counted in ClinVar's aggregate classification.
Comment: For these reasons, this variant has been classified as Pathogenic. ClinVar contains an entry for this variant (Variation ID: 52273). This premature translational stop signal has been observed in individual(s) with breast and/or ovarian cancer (PMID: 18489799). This variant is not present in population databases (gnomAD no frequency). This sequence change creates a premature translational stop signal (p.Gln2384Argfs*7) in the BRCA2 gene. It is expected to result in an absent or disrupted protein product. Loss-of-function variants in BRCA2 are known to be pathogenic (PMID: 20104584).

Baylor Genetics
Classification: Pathogenic for Familial cancer of breast. Last evaluated: 2022-10-13. Review status: criteria provided, single submitter. Criteria: ACMG Guidelines, 2015. Collection method: clinical testing. Allele origin: unknown. Not counted in ClinVar's aggregate classification.

Consortium of Investigators of Modifiers of BRCA1/2 (CIMBA), c/o University of Cambridge
Classification: Pathogenic for Breast-ovarian cancer, familial, susceptibility to, 2. Last evaluated: 2015-10-02. Review status: criteria provided, single submitter. Criteria: CIMBA Mutation Classification guidelines May 2016. Collection method: clinical testing. Allele origin: germline. Not counted in ClinVar's aggregate classification.

Breast Cancer Information Core (BIC) (BRCA2)
Classification: Pathogenic for Breast-ovarian cancer, familial 2. Last evaluated: 2007-02-23. Review status: no assertion criteria provided. Collection method: clinical testing. Allele origin: germline. Affected: yes. Observed: 3 variant alleles. Not counted in ClinVar's aggregate classification.

Literature cited by the submitters: PubMed 18489799 (cited by Ambry Genetics and Labcorp Genetics (formerly Invitae), Labcorp); PubMed 20104584 (cited by Labcorp Genetics (formerly Invitae), Labcorp).

NM_000059.4(BRCA2):c.7151_7152del (p.Gln2384fs)

Gene: BRCA2 (BRCA2 DNA repair associated; plus strand). Cytogenetic location: 13q13.1.
Variant type: Deletion.
Coding change: c.7151_7152del on transcript NM_000059.4 (MANE Select); coding-DNA positions 7151 to 7152, 2 bases deleted (AA; older notation c.7151_7152delAA).
Protein change: p.Gln2384fs; shifts the reading frame from glutamine 2384.
Molecular consequence: frameshift variant.
Genome position (GRCh38, 1-based): chr13:32,355,004-32,355,005, AA deleted. VCF-style (leftmost placement, unchanged base first): chr13-32355003-CAA-C. GRCh37 (hg19) VCF-style: chr13-32929140-CAA-C.
Other names: 7379delAA; c.7151_7152delAA (NM_000059.3).
Identifiers: ClinVar variation 52273 (VCV000052273.19), dbSNP rs276174890, ClinGen allele CA024907.